The following is an entry in ClinVar:

ClinVar aggregate classification (germline): Likely benign (1 of 4 stars; one submission).

Submission:

GeneDx
Classification: Likely benign. Last evaluated: 2016-03-08. Review status: criteria provided, single submitter. Criteria: GeneDx Variant Classification (06012015). Collection method: clinical testing. Allele origin: germline. Affected: yes.
Comment: This variant is considered likely benign or benign based on one or more of the following criteria: it is a conservative change, it occurs at a poorly conserved position in the protein, it is predicted to be benign by multiple in silico algorithms, and/or has population frequency not consistent with disease.

NM_014795.4(ZEB2):c.2907A>G (p.Ala969=)

Gene: ZEB2 (zinc finger E-box binding homeobox 2; minus strand). Cytogenetic location: 2q22.3.
Variant type: single nucleotide variant.
Coding change: c.2907A>G on transcript NM_014795.4 (MANE Select); coding-DNA position 2907, A replaced by G.
Protein change: p.Ala969=; no amino-acid change (alanine 969 retained).
Molecular consequence: synonymous variant.
Genome position (GRCh38, 1-based): chr2:144,396,572, T>C on the plus strand (A>G on the coding strand, the complement: ZEB2 is on the minus strand). VCF-style: chr2-144396572-T-C. GRCh37 (hg19) VCF-style: chr2-145154139-T-C.
Other names: c.2835A>G, p.Ala945= (NM_001171653.2).
Identifiers: ClinVar variation 384145 (VCV000384145.1), dbSNP rs1057521876, ClinGen allele CA16603882.